The following is an entry in ClinVar:

NM_000540.3(RYR1):c.1338C>G (p.Asp446Glu)

Gene: RYR1 (ryanodine receptor 1; plus strand). Cytogenetic location: 19q13.2.
Variant type: single nucleotide variant.
Coding change: c.1338C>G on transcript NM_000540.3 (MANE Select); coding-DNA position 1338, C replaced by G.
Protein change: p.Asp446Glu; replaces aspartic acid 446 with glutamic acid.
Molecular consequence: missense variant.
Genome position (GRCh38, 1-based): chr19:38,452,912, C>G. VCF-style: chr19-38452912-C-G. GRCh37 (hg19) VCF-style: chr19-38943552-C-G.
Other names: c.1338C>G, p.Asp446Glu (NM_001042723.2); short protein forms D446E.
Identifiers: ClinVar variation 5041366 (VCV005041366.1).

ClinVar aggregate classification (germline): Uncertain significance (1 of 4 stars; one submission).

Submission:

CeGaT Center for Human Genetics Tuebingen
Classification: Uncertain significance. Last evaluated: 2026-09-01. Review status: criteria provided, single submitter. Criteria: CeGaT Center For Human Genetics Tuebingen Variant Classification Criteria Version 2. Collection method: clinical testing. Allele origin: germline. Affected: yes. Observed: 1 variant allele.
Comment: RYR1: PM2